The following is an entry in ClinVar:

ClinVar aggregate classification (germline): Uncertain significance (1 of 4 stars; one submission).

Conditions:
Cardiomyopathy (CMYO). Also called: Cardiomyopathies. Identifiers: Orphanet 167848, MedGen C0878544, MONDO:0004994, HP:0001638. Inheritance: Various modes of inheritance.

Allele frequency attached by ClinVar (database versions not stated): TOPMed 0.00001.

Submission:

Color Diagnostics, LLC DBA Color Health
Classification: Uncertain significance for Cardiomyopathy. Last evaluated: 2024-03-06. Review status: criteria provided, single submitter. Criteria: ACMG Guidelines, 2015. Collection method: clinical testing. Allele origin: germline.
Comment: This missense variant replaces lysine with arginine at codon 1728 of the MYH7 protein. Computational prediction suggests that this variant may not impact protein structure and function (internally defined REVEL score threshold <= 0.5, PMID: 27666373). Splice site prediction tools suggest that this variant may not impact RNA splicing. To our knowledge, functional studies have not been performed for this variant. This variant has not been reported in individuals affected with cardiovascular disorders in the literature. This variant has not been identified in the general population by the Genome Aggregation Database (gnomAD). The available evidence is insufficient to determine the role of this variant in disease conclusively. Therefore, this variant is classified as a Variant of Uncertain Significance.

NM_000257.4(MYH7):c.5183A>G (p.Lys1728Arg)

Genes: MHRT (myosin heavy chain associated RNA transcript; plus strand), MYH7 (myosin heavy chain 7; minus strand), LOC126861897 (BRD4-independent group 4 enhancer GRCh37_chr14:23884455-23885654; plus strand). Cytogenetic location: 14q11.2.
Variant type: single nucleotide variant.
Coding change: c.5183A>G on transcript NM_000257.4 (MANE Select); coding-DNA position 5183, A replaced by G.
Protein change: p.Lys1728Arg; replaces lysine 1728 with arginine.
Molecular consequence: missense variant. On other transcripts: non-coding transcript variant (1).
Genome position (GRCh38, 1-based): chr14:23,415,481, T>C on the plus strand (A>G on the coding strand, the complement: MYH7 is on the minus strand). VCF-style: chr14-23415481-T-C. GRCh37 (hg19) VCF-style: chr14-23884690-T-C.
Other names: short protein forms K1728R.
Identifiers: ClinVar variation 923595 (VCV000923595.4), dbSNP rs1357222680, ClinGen allele CA389036772.